The following is an entry in ClinVar:

NM_022437.3(ABCG8):c.1697T>G (p.Leu566Arg)

Gene: ABCG8 (ATP binding cassette subfamily G member 8; plus strand). Cytogenetic location: 2p21.
Variant type: single nucleotide variant.
Coding change: c.1697T>G on transcript NM_022437.3 (MANE Select); coding-DNA position 1697, T replaced by G.
Protein change: p.Leu566Arg; replaces leucine 566 with arginine.
Molecular consequence: missense variant.
Genome position (GRCh38, 1-based): chr2:43,875,354, T>G. VCF-style: chr2-43875354-T-G. GRCh37 (hg19) VCF-style: chr2-44102493-T-G.
Other names: c.1694T>G, p.Leu565Arg (NM_001357321.2); short protein forms L566R, L565R.
Identifiers: ClinVar variation 2585888 (VCV002585888.2), dbSNP rs1669926002, ClinGen allele CA346670614.
Genomic context (GRCh38, chr2:43,875,354, plus strand): 5'-CCCTGGCCGCCGCGGCCCTGCTCCCCACCTTCCACATGGCCTCCTTCTTCAGCAATGCCC[T>G]CTACAACTCCTTCTACCTCGCCGGGGGCTTCATGATAAACTTGAGCAGCCTGTGGACAGG-3'
Protein context (NP_071882.1, residues 556-576): FHMASFFSNA[Leu566Arg]YNSFYLAGGF

ClinVar aggregate classification (germline): Uncertain significance (1 of 4 stars; one submission).

Conditions:
Cardiovascular phenotype. Identifiers: MedGen CN230736.

Allele frequency attached by ClinVar (database versions not stated): gnomAD exomes below 0.00001; gnomAD 0.00001.
gnomAD v4.1: 2 of 1,614,034 alleles (0.00012%); highest among the groups gnomAD compares: African/African-American, 0.0027%; no homozygotes.

Submission:

Ambry Genetics
Classification: Uncertain significance for Cardiovascular phenotype. Last evaluated: 2023-08-03. Review status: criteria provided, single submitter. Criteria: Ambry Variant Classification Scheme 2023. Collection method: clinical testing. Allele origin: germline.
Comment: The p.L566R variant (also known as c.1697T>G), located in coding exon 11 of the ABCG8 gene, results from a T to G substitution at nucleotide position 1697. The leucine at codon 566 is replaced by arginine, an amino acid with dissimilar properties. This amino acid position is conserved. In addition, this alteration is predicted to be deleterious by in silico analysis. Since supporting evidence is limited at this time, the clinical significance of this alteration remains unclear.